The following is an entry in ClinVar:

NM_000059.4(BRCA2):c.828A>G (p.Val276=)

Gene: BRCA2 (BRCA2 DNA repair associated; plus strand). Cytogenetic location: 13q13.1.
Variant type: single nucleotide variant.
Coding change: c.828A>G on transcript NM_000059.4 (MANE Select); coding-DNA position 828, A replaced by G.
Protein change: p.Val276=; no amino-acid change (valine 276 retained).
Molecular consequence: synonymous variant.
Genome position (GRCh38, 1-based): chr13:32,332,306, A>G. VCF-style: chr13-32332306-A-G. GRCh37 (hg19) VCF-style: chr13-32906443-A-G.
Identifiers: ClinVar variation 427502 (VCV000427502.6), dbSNP rs771011424, ClinGen allele CA6940468.

ClinVar aggregate classification (germline): Likely benign. Review status: reviewed by expert panel (3 of 4 stars). 2 submissions from 2 submitters: Likely benign (1). 1 of the submissions does not count toward it. Last evaluated 2017-06-29.

Conditions:
Breast-ovarian cancer, familial, susceptibility to, 2 (BROVCA2). Also called: BRCA2 Hereditary Breast and Ovarian Cancer. Identifiers: Orphanet 145, MedGen C2675520, MONDO:0012933, OMIM 612555. Disease mechanism: loss of function.
Hereditary breast ovarian cancer syndrome. Also called: Hereditary breast and ovarian cancer syndrome; BRCA1- and BRCA2-Associated Hereditary Breast and Ovarian Cancer; Hereditary breast and/or ovarian cancer syndrome; Hereditary breast and ovarian cancer; Breast and ovarian cancer; Hereditary breast and ovarian cancer syndrome (HBOC). Identifiers: Orphanet 145, MedGen C0677776, MeSH D061325, MONDO:0003582. Disease mechanism: loss of function.

Allele frequency attached by ClinVar (database versions not stated): gnomAD exomes below 0.00001; ExAC 0.00001.
gnomAD v4.1: 1 of 1,605,764 alleles (0.000062%); highest among the groups gnomAD compares: South Asian, 0.0011%; no homozygotes.

Submissions (2):

Evidence-based Network for the Interpretation of Germline Mutant Alleles (ENIGMA)
Classification: Likely benign for Breast-ovarian cancer, familial, susceptibility to, 2. Last evaluated: 2017-06-29. Review status: reviewed by expert panel. Criteria: ENIGMA BRCA1/2 Classification Criteria (2017-06-29). Collection method: curation. Allele origin: germline.
Comment: Synonymous substitution variant, with low bioinformatic likelihood to result in a splicing aberration (Splicing prior probability 0.02).

Labcorp Genetics (formerly Invitae), Labcorp
Classification: Likely benign for Hereditary breast ovarian cancer syndrome. Last evaluated: 2025-07-31. Review status: criteria provided, single submitter. Criteria: Invitae Variant Classification Sherloc (09022015). Collection method: clinical testing. Allele origin: germline. Not counted in ClinVar's aggregate classification.